The following is an entry in ClinVar:

NM_000038.6(APC):c.7457C>T (p.Pro2486Leu)

Gene: APC (APC regulator of Wnt signaling pathway; plus strand). Cytogenetic location: 5q22.2.
Variant type: single nucleotide variant.
Coding change: c.7457C>T on transcript NM_000038.6 (MANE Select); coding-DNA position 7457, C replaced by T.
Protein change: p.Pro2486Leu; replaces proline 2486 with leucine.
Molecular consequence: missense variant. On other transcripts: non-coding transcript variant (2).
Genome position (GRCh38, 1-based): chr5:112,843,051, C>T. VCF-style: chr5-112843051-C-T. GRCh37 (hg19) VCF-style: chr5-112178748-C-T.
Other names: c.7457C>T, p.Pro2486Leu (NM_001127510.3, NM_001354895.2, NM_001407450.1); c.7403C>T, p.Pro2468Leu (NM_001127511.3); c.7511C>T, p.Pro2504Leu (NM_001354896.2, NM_001407447.1, NM_001407448.1 and 1 more transcripts); c.7487C>T, p.Pro2496Leu (NM_001354897.2); c.7382C>T, p.Pro2461Leu (NM_001354898.2); c.7373C>T, p.Pro2458Leu (NM_001354899.2); c.7334C>T, p.Pro2445Leu (NM_001354900.2); c.7280C>T, p.Pro2427Leu (NM_001354901.2, NM_001407453.1); and 12 more; short protein forms P2360L, P2445L, P2458L, P2486L, P2496L, P2102L, P2357L, P2395L.
Identifiers: ClinVar variation 2773631 (VCV002773631.3), dbSNP rs1766481071, ClinGen allele CA16037559.

ClinVar aggregate classification (germline): Uncertain significance. Review status: criteria provided, multiple submitters, no conflicts (2 of 4 stars). 2 submissions from 2 submitters: Uncertain significance (2). Last evaluated 2025-03-01.

Conditions:
Hereditary cancer-predisposing syndrome. Also called: Hereditary neoplastic syndrome; Hereditary Cancer Syndrome; Neoplastic Syndromes, Hereditary; Tumor predisposition. Identifiers: Orphanet 140162, MedGen C0027672, MeSH D009386, MONDO:0015356.

Allele frequency attached by ClinVar (database versions not stated): gnomAD exomes below 0.00001.
gnomAD v4.1: 1 of 1,613,846 alleles (0.000062%); highest among the groups gnomAD compares: Non-Finnish European, 0.000085%; no homozygotes.

Submissions (2):

Ambry Genetics
Classification: Uncertain significance for Hereditary cancer-predisposing syndrome. Last evaluated: 2025-03-01. Review status: criteria provided, single submitter. Criteria: Ambry Variant Classification Scheme 2023. Collection method: clinical testing. Allele origin: germline.
Comment: The p.P2486L variant (also known as c.7457C>T), located in coding exon 15 of the APC gene, results from a C to T substitution at nucleotide position 7457. The proline at codon 2486 is replaced by leucine, an amino acid with similar properties. This amino acid position is conserved. In addition, in silico predictors for this gene do not accurately predict pathogenicity. Based on the available evidence, the clinical significance of this variant remains unclear.

Color Diagnostics, LLC DBA Color Health
Classification: Uncertain significance for Hereditary cancer-predisposing syndrome. Last evaluated: 2024-03-06. Review status: criteria provided, single submitter. Criteria: ACMG Guidelines, 2015. Collection method: clinical testing. Allele origin: germline.
Comment: This missense variant replaces proline with leucine at codon 2486 of the APC protein. Computational prediction suggests that this variant may not impact protein structure and function (internally defined REVEL score threshold <= 0.5, PMID: 27666373). To our knowledge, functional studies have not been reported for this variant. This variant has not been reported in individuals affected with hereditary cancer in the literature. This variant has not been identified in the general population by the Genome Aggregation Database (gnomAD). The available evidence is insufficient to determine the role of this variant in disease conclusively. Therefore, this variant is classified as a Variant of Uncertain Significance.